The following is an entry in ClinVar:

ClinVar aggregate classification (germline): Uncertain significance. Review status: criteria provided, multiple submitters, no conflicts (2 of 4 stars). 3 submissions from 3 submitters: Uncertain significance (3). Last evaluated 2025-09-27.

Conditions:
Inborn genetic diseases. Identifiers: MedGen C0950123, MeSH D030342.

gnomAD v4.1: 180 of 1,614,236 alleles (0.011%); highest among the groups gnomAD compares: Middle Eastern, 0.033%; no homozygotes.

Submissions (3):

Ambry Genetics
Classification: Uncertain significance for Inborn genetic diseases. Last evaluated: 2025-09-27. Review status: criteria provided, single submitter. Criteria: Ambry Variant Classification Scheme 2023. Collection method: clinical testing. Allele origin: germline.

Labcorp Genetics (formerly Invitae), Labcorp
Classification: Uncertain significance. Last evaluated: 2024-12-07. Review status: criteria provided, single submitter. Criteria: Invitae Variant Classification Sherloc (09022015). Collection method: clinical testing. Allele origin: germline.
Comment: This sequence change replaces arginine, which is basic and polar, with serine, which is neutral and polar, at codon 611 of the LETM1 protein (p.Arg611Ser). This variant is present in population databases (rs201689850, gnomAD 0.02%). This variant has not been reported in the literature in individuals affected with LETM1-related conditions. An algorithm developed to predict the effect of missense changes on protein structure and function (PolyPhen-2) suggests that this variant is likely to be disruptive. In summary, the available evidence is currently insufficient to determine the role of this variant in disease. Therefore, it has been classified as a Variant of Uncertain Significance.

Blueprint Genetics
Classification: Uncertain significance. Last evaluated: 2024-05-29. Review status: criteria provided, single submitter. Criteria: ACMG Guidelines, 2015. Collection method: clinical testing. Allele origin: germline.

NM_012318.3(LETM1):c.1833G>C (p.Arg611Ser)

Gene: LETM1 (leucine zipper and EF-hand containing transmembrane protein 1; minus strand). Cytogenetic location: 4p16.3.
Variant type: single nucleotide variant.
Coding change: c.1833G>C on transcript NM_012318.3 (MANE Select); coding-DNA position 1833, G replaced by C.
Protein change: p.Arg611Ser; replaces arginine 611 with serine.
Molecular consequence: missense variant.
Genome position (GRCh38, 1-based): chr4:1,816,825, C>G on the plus strand (G>C on the coding strand, the complement: LETM1 is on the minus strand). VCF-style: chr4-1816825-C-G. GRCh37 (hg19) VCF-style: chr4-1818552-C-G.
Other names: c.1833G>C (NM_012318.2); short protein forms R611S.
Identifiers: ClinVar variation 3667880 (VCV003667880.3).
Genomic context (GRCh38, chr4:1,816,825, plus strand): 5'-CTGCTGGTCCATCTCCAGCTGCGAGATCAAGCCATCGATCTGCCCGATCATTTGCTGCAC[C>G]CTTTTTGTCAATCTCTTGCTGGCTTTAGATTCTTCCACGTACTTTTCTTCACCAGTCTTT-3'
Protein context (NP_036450.1, residues 601-621): ESKASKRLTK[Arg611Ser]VQQMIGQIDG